The following is an entry in ClinVar:

ClinVar aggregate classification (germline): Uncertain significance (1 of 4 stars; one submission).

Conditions:
Immunodeficiency 74, COVID-19-related, X-linked. Also called: IMMUNODEFICIENCY 74, COVID19-RELATED, X-LINKED; RESPIRATORY INSUFFICIENCY DUE TO SARS-CoV-2 VIRAL INFECTION; TLR7 DEFICIENCY. Identifiers: MedGen C5435745, MONDO:0026767, OMIM 301051.

Submission:

Institute of Human Genetics, University of Leipzig Medical Center
Classification: Uncertain significance for Immunodeficiency 74, COVID-19-related, X-linked. Last evaluated: 2026-04-07. Review status: criteria provided, single submitter. Criteria: ACMG Guidelines, 2015. Collection method: clinical testing. Allele origin: maternal. Inheritance: X-linked recessive inheritance. Affected: yes.
Comment: Criteria applied: PM1_SUP,PM2,PP2,PP3

NM_016562.4(TLR7):c.1643A>C (p.Asp548Ala)

Gene: TLR7 (toll like receptor 7; plus strand). Cytogenetic location: Xp22.2.
Variant type: single nucleotide variant.
Coding change: c.1643A>C on transcript NM_016562.4 (MANE Select); coding-DNA position 1643, A replaced by C.
Protein change: p.Asp548Ala; replaces aspartic acid 548 with alanine.
Molecular consequence: missense variant.
Genome position (GRCh38, 1-based): chrX:12,887,151, A>C. VCF-style: chrX-12887151-A-C. GRCh37 (hg19) VCF-style: chrX-12905270-A-C.
Other names: short protein forms D548A.
Identifiers: ClinVar variation 4845371 (VCV004845371.1).